The following is an entry in ClinVar:

NM_153033.5(KCTD7):c.*1926G>A

Gene: KCTD7 (potassium channel tetramerization domain containing 7; plus strand). Cytogenetic location: 7q11.21.
Variant type: single nucleotide variant.
Coding change: c.*1926G>A on transcript NM_153033.5 (MANE Select); 1926 bases downstream of the stop codon, G replaced by A.
Molecular consequence: 3 prime UTR variant.
Genome position (GRCh38, 1-based): chr7:66,641,158, G>A. VCF-style: chr7-66641158-G-A. GRCh37 (hg19) VCF-style: chr7-66106145-G-A.
Other names: c.*764G>A (NM_001167961.2).
Identifiers: ClinVar variation 360612 (VCV000360612.5), dbSNP rs117267079, ClinGen allele CA10629479.
Genomic context (GRCh38, chr7:66,641,158, plus strand): 5'-GATCTAAGAGGAAAGGATAGTCATTCACGTTCTGAGATATGCGCTCTCTCTATTGTTCTC[G>A]TACACAAAGGGATAGTCTCTTTTCTGGAGCTGATGTCCCTGCTTGGAGGTTAGCCCCAAA-3'

ClinVar aggregate classification (germline): Benign (1 of 4 stars; one submission).

Conditions:
Progressive myoclonic epilepsy type 3. Also called: EPILEPSY, PROGRESSIVE MYOCLONIC, 3, WITH OR WITHOUT INTRACELLULAR INCLUSIONS; CEROID LIPOFUSCINOSIS, NEURONAL, 14; EPILEPSY, PROGRESSIVE MYOCLONIC, 3, WITHOUT INTRACELLULAR INCLUSIONS; KCTD7-Related Progressive Myoclonic Epilepsy. Identifiers: Orphanet 263516, MedGen C2673257, MONDO:0012721, OMIM 611726.

Allele frequency attached by ClinVar (database versions not stated): gnomAD 0.00043 and 0.00086; TOPMed 0.00104; 1000 Genomes Project 30x 0.00562; 1000 Genomes Project 0.00619.
gnomAD v4.1: 275 of 985,356 alleles (0.028%); highest among the groups gnomAD compares: East Asian, 2.7%; 4 homozygotes.

Submission:

Illumina Laboratory Services, Illumina
Classification: Benign for Progressive myoclonic epilepsy type 3. Last evaluated: 2018-01-13. Review status: criteria provided, single submitter. Criteria: ICSL Variant Classification Criteria 13 December 2019. Collection method: clinical testing. Allele origin: germline.
Comment: This variant was observed in the ICSL laboratory as part of a predisposition screen in an ostensibly healthy population. It had not been previously curated by ICSL or reported in the Human Gene Mutation Database (HGMD: prior to June 1st, 2018), and was therefore a candidate for classification through an automated scoring system. Utilizing variant allele frequency, disease prevalence and penetrance estimates, and inheritance mode, an automated score was calculated to assess if this variant is too frequent to cause the disease. Based on the score and internal cut-off values, a variant classified as benign is not then subjected to further curation. The score for this variant resulted in a classification of benign for this disease.